The following is an entry in ClinVar:

NM_021153.4(CDH19):c.443T>C (p.Phe148Ser)

Gene: CDH19 (cadherin 19; minus strand). Cytogenetic location: 18q22.1.
Variant type: single nucleotide variant.
Coding change: c.443T>C on transcript NM_021153.4 (MANE Select); coding-DNA position 443, T replaced by C.
Protein change: p.Phe148Ser; replaces phenylalanine 148 with serine.
Molecular consequence: missense variant. On other transcripts: non-coding transcript variant (1).
Genome position (GRCh38, 1-based): chr18:66,568,463, A>G on the plus strand (T>C on the coding strand, the complement: CDH19 is on the minus strand). VCF-style: chr18-66568463-A-G. GRCh37 (hg19) VCF-style: chr18-64235700-A-G.
Other names: c.443T>C, p.Phe148Ser (NM_001271028.2); short protein forms F148S.
Identifiers: ClinVar variation 4997152 (VCV004997152.1).
Genomic context (GRCh38, chr18:66,568,463, plus strand): 5'-TAATATGCAATACCTTCTGGAGACATCTCTGGTACAATGGCCTCATAAGGTTCATCTAGG[A>G]ATTTTGGTTCATTGTCATTGATATCCGAAACTTTGATGACAAACTCAGACTCAGGTTCCA-3'
Protein context (NP_066976.1, residues 138-158): VSDINDNEPK[Phe148Ser]LDEPYEAIVP

ClinVar aggregate classification (germline): Uncertain significance (1 of 4 stars; one submission).

Conditions:
CDH19-related disorder. Also called: CDH19-related condition.

Submission:

PreventionGenetics, part of Exact Sciences
Classification: Uncertain significance for CDH19-related condition. Last evaluated: 2025-01-24. Review status: criteria provided, single submitter. Criteria: ACMG Guidelines, 2015. Collection method: clinical testing. Allele origin: germline.
Comment: The CDH19 c.443T>C variant is predicted to result in the amino acid substitution p.Phe148Ser. To our knowledge, this variant has not been reported in the literature or in a large population database (gnomAD), indicating this variant is rare. At this time, the clinical significance of this variant is uncertain due to the absence of conclusive functional and genetic evidence.